The following is an entry in ClinVar:

ClinVar aggregate classification (germline): Likely pathogenic (1 of 4 stars; one submission).

Conditions:
Renal hypodysplasia/aplasia 1 (RHDA1). Also called: HEREDITARY RENAL APLASIA; RENAL APLASIA. Identifiers: Orphanet 411709, MedGen C1619700, MONDO:0024519, OMIM 191830.

gnomAD v4.1: 12 of 1,613,486 alleles (0.00074%); highest among the groups gnomAD compares: South Asian, 0.0044%; no homozygotes.

Submission:

Juno Genomics, Hangzhou Juno Genomics, Inc
Classification: Likely pathogenic for Renal hypodysplasia/aplasia 1. Review status: criteria provided, single submitter. Criteria: ACMG Guidelines, 2015. Collection method: clinical testing. Allele origin: germline.
Comment: Absent from controls (or at extremely low frequency if recessive) in Genome Aggregation Database.;Null variant in a gene where loss of function (LOF) is a known mechanism of disease.

NM_003638.3(ITGA8):c.2125C>T (p.Arg709Ter)

Gene: ITGA8 (integrin subunit alpha 8; minus strand). Cytogenetic location: 10p13.
Variant type: single nucleotide variant.
Coding change: c.2125C>T on transcript NM_003638.3 (MANE Select); coding-DNA position 2125, C replaced by T.
Protein change: p.Arg709Ter; replaces arginine 709 with a stop codon.
Molecular consequence: nonsense.
Genome position (GRCh38, 1-based): chr10:15,597,293, G>A on the plus strand (C>T on the coding strand, the complement: ITGA8 is on the minus strand). VCF-style: chr10-15597293-G-A. GRCh37 (hg19) VCF-style: chr10-15639292-G-A.
Other names: c.2080C>T, p.Arg694Ter (NM_001291494.2); short protein forms R694*, R709*.
Identifiers: ClinVar variation 5019577 (VCV005019577.2).
Genomic context (GRCh38, chr10:15,597,293, plus strand): 5'-CAAGGTCACACACCACCATCCTGGTTACATTTTCCATCTTGTACTCACAGCTCAGTGGTC[G>A]AAATCCCTACAATTGCAAAGAACAGGGGGTTTAGGGGGCAGGATAAATGACATCCTGACA-3'